The following is an entry in ClinVar:

NM_000038.6(APC):c.645G>A (p.Gln215=)

Gene: APC (APC regulator of Wnt signaling pathway; plus strand). Cytogenetic location: 5q22.2.
Variant type: single nucleotide variant.
Coding change: c.645G>A on transcript NM_000038.6 (MANE Select); coding-DNA position 645, G replaced by A.
Protein change: p.Gln215=; no amino-acid change (glutamine 215 retained).
Molecular consequence: synonymous variant. On other transcripts: 5 prime UTR variant (1).
Genome position (GRCh38, 1-based): chr5:112,780,903, G>A. VCF-style: chr5-112780903-G-A. GRCh37 (hg19) VCF-style: chr5-112116600-G-A.
Other names: c.645G>A, p.Gln215= (NM_001127510.3, NM_001354895.2, NM_001354896.2 and 2 more transcripts); c.675G>A, p.Gln225= (NM_001127511.3, NM_001354897.2, NM_001354902.2); c.570G>A, p.Gln190= (NM_001354898.2, NM_001354904.2); c.468G>A, p.Gln156= (NM_001354900.2, NM_001354901.2, NM_001354905.2); c.-391G>A (NM_001354906.2).
Identifiers: ClinVar variation 537452 (VCV000537452.5), dbSNP rs1060503295, ClinGen allele CA445755533.

ClinVar aggregate classification (germline): Uncertain significance (1 of 4 stars; one submission).

Conditions:
Familial adenomatous polyposis 1 (FAP1). Also called: FAMILIAL ADENOMATOUS POLYPOSIS 1, ATTENUATED; POLYPOSIS, ADENOMATOUS INTESTINAL. Identifiers: MedGen C2713442, MONDO:0021056, OMIM 175100. Disease mechanism: loss of function.

Submission:

Labcorp Genetics (formerly Invitae), Labcorp
Classification: Uncertain significance for Familial adenomatous polyposis 1. Last evaluated: 2022-03-04. Review status: criteria provided, single submitter. Criteria: Invitae Variant Classification Sherloc (09022015). Collection method: clinical testing. Allele origin: germline.
Comment: This sequence change affects codon 215 of the APC mRNA. It is a 'silent' change, meaning that it does not change the encoded amino acid sequence of the APC protein. This variant also falls at the last nucleotide of exon 6, which is part of the consensus splice site for this exon. This variant is not present in population databases (gnomAD no frequency). This variant has not been reported in the literature in individuals affected with APC-related conditions. ClinVar contains an entry for this variant (Variation ID: 537452). Variants that disrupt the consensus splice site are a relatively common cause of aberrant splicing (PMID: 17576681, 9536098). Algorithms developed to predict the effect of sequence changes on RNA splicing suggest that this variant is not likely to affect RNA splicing. In summary, the available evidence is currently insufficient to determine the role of this variant in disease. Therefore, it has been classified as a Variant of Uncertain Significance.

Literature cited by the submitters: PubMed 17576681; PubMed 9536098.